The following is an entry in ClinVar:

ClinVar aggregate classification (germline): Uncertain significance (1 of 4 stars; one submission).

Conditions:
Hereditary cancer-predisposing syndrome. Also called: Neoplastic Syndromes, Hereditary; Tumor predisposition; Hereditary Cancer Syndrome; Hereditary neoplastic syndrome. Identifiers: Orphanet 140162, MedGen C0027672, MeSH D009386, MONDO:0015356.

Submission:

Ambry Genetics
Classification: Uncertain significance for Hereditary cancer-predisposing syndrome. Last evaluated: 2026-05-14. Review status: criteria provided, single submitter. Criteria: Ambry Variant Classification Scheme 2023. Collection method: clinical testing. Allele origin: germline.
Comment: The p.L370V variant (also known as c.1108C>G), located in coding exon 7 of the DICER1 gene, results from a C to G substitution at nucleotide position 1108. The leucine at codon 370 is replaced by valine, an amino acid with highly similar properties. This amino acid position is conserved. In addition, this alteration is predicted to be tolerated by in silico analysis. Based on the available evidence, the clinical significance of this variant remains unclear.

NM_177438.3(DICER1):c.1108C>G (p.Leu370Val)

Gene: DICER1 (dicer 1, ribonuclease III; minus strand). Cytogenetic location: 14q32.13.
Variant type: single nucleotide variant.
Coding change: c.1108C>G on transcript NM_177438.3 (MANE Select); coding-DNA position 1108, C replaced by G.
Protein change: p.Leu370Val; replaces leucine 370 with valine.
Molecular consequence: missense variant. On other transcripts: non-coding transcript variant (6), 5 prime UTR variant (1).
Genome position (GRCh38, 1-based): chr14:95,124,464, G>C on the plus strand (C>G on the coding strand, the complement: DICER1 is on the minus strand). VCF-style: chr14-95124464-G-C. GRCh37 (hg19) VCF-style: chr14-95590801-G-C.
Other names: c.1108C>G, p.Leu370Val (NM_001195573.1, NM_001271282.3, NM_001291628.2 and 14 more transcripts); c.826C>G, p.Leu276Val (NM_001395686.1); c.703C>G, p.Leu235Val (NM_001395687.1, NM_001395688.1, NM_001395689.1 and 3 more transcripts); c.541C>G, p.Leu181Val (NM_001395691.1); c.-461C>G (NM_001395697.1); short protein forms L181V, L235V, L276V, L370V.
Identifiers: ClinVar variation 4869787 (VCV004869787.1).